The following is an entry in ClinVar:

ClinVar aggregate classification (germline): Conflicting classifications of pathogenicity. Review status: criteria provided, conflicting classifications (1 of 4 stars). 2 submissions from 2 submitters: Uncertain significance (1); Likely benign (1). Last evaluated 2026-06-01.

Allele frequency attached by ClinVar (database versions not stated): TOPMed 0.00007; gnomAD 0.00013; 1000 Genomes Project 0.00020; 1000 Genomes Project 30x 0.00031; ExAC 0.00122.
gnomAD v4.1: 258 of 1,478,124 alleles (0.017%); highest among the groups gnomAD compares: Middle Eastern, 0.24%; 3 homozygotes.

Submissions (2):

CeGaT Center for Human Genetics Tuebingen
Classification: Likely benign. Last evaluated: 2026-06-01. Review status: criteria provided, single submitter. Criteria: CeGaT Center For Human Genetics Tuebingen Variant Classification Criteria Version 2. Collection method: clinical testing. Allele origin: germline. Affected: yes. Observed: 1 variant allele.
Comment: FBRSL1: BS2

Ambry Genetics
Classification: Uncertain significance. Last evaluated: 2025-12-17. Review status: criteria provided, single submitter. Criteria: Ambry Variant Classification Scheme 2023. Collection method: clinical testing. Allele origin: germline.

NM_001367871.1(FBRSL1):c.902C>T (p.Pro301Leu)

Gene: FBRSL1 (fibrosin like 1; plus strand). Cytogenetic location: 12q24.33.
Variant type: single nucleotide variant.
Coding change: c.902C>T on transcript NM_001367871.1 (MANE Select); coding-DNA position 902, C replaced by T.
Protein change: p.Pro301Leu; replaces proline 301 with leucine.
Molecular consequence: missense variant.
Genome position (GRCh38, 1-based): chr12:132,570,136, C>T. VCF-style: chr12-132570136-C-T. GRCh37 (hg19) VCF-style: chr12-133146722-C-T.
Other names: c.902C>T, p.Pro301Leu (NM_001142641.2, NM_001382739.1, NM_001382740.1); short protein forms P301L.
Identifiers: ClinVar variation 2595279 (VCV002595279.5), dbSNP rs569313226, ClinGen allele CA6890891.